The following is an entry in ClinVar:

ClinVar aggregate classification (germline): Uncertain significance. Review status: criteria provided, multiple submitters, no conflicts (2 of 4 stars). 2 submissions from 2 submitters: Uncertain significance (2). Last evaluated 2025-08-28.

Conditions:
Inborn genetic diseases. Identifiers: MedGen C0950123, MeSH D030342.

Allele frequency attached by ClinVar (database versions not stated): gnomAD exomes below 0.00001 and 0.00001; TOPMed 0.00001; gnomAD 0.00002.
gnomAD v4.1: 4 of 1,208,494 alleles (0.00033%); highest among the groups gnomAD compares: African/African-American, 0.0018%; no homozygotes.

Submissions (2):

Ambry Genetics
Classification: Uncertain significance for Inborn genetic diseases. Last evaluated: 2025-08-28. Review status: criteria provided, single submitter. Criteria: Ambry Variant Classification Scheme 2023. Collection method: clinical testing. Allele origin: germline.

Labcorp Genetics (formerly Invitae), Labcorp
Classification: Uncertain significance. Last evaluated: 2021-05-17. Review status: criteria provided, single submitter. Criteria: Invitae Variant Classification Sherloc (09022015). Collection method: clinical testing. Allele origin: germline.
Comment: In summary, the available evidence is currently insufficient to determine the role of this variant in disease. Therefore, it has been classified as a Variant of Uncertain Significance. Algorithms developed to predict the effect of missense changes on protein structure and function (SIFT, PolyPhen-2, Align-GVGD) all suggest that this variant is likely to be disruptive, but these predictions have not been confirmed by published functional studies and their clinical significance is uncertain. This variant has not been reported in the literature in individuals with GRIA3-related conditions. This variant is not present in population databases (ExAC no frequency). This sequence change replaces arginine with glutamine at codon 726 of the GRIA3 protein (p.Arg726Gln). The arginine residue is highly conserved and there is a small physicochemical difference between arginine and glutamine.

NM_007325.5(GRIA3):c.2177G>A (p.Arg726Gln)

Gene: GRIA3 (glutamate ionotropic receptor AMPA type subunit 3; plus strand). Cytogenetic location: Xq25.
Variant type: single nucleotide variant.
Coding change: c.2177G>A on transcript NM_007325.5 (MANE Select); coding-DNA position 2177, G replaced by A.
Protein change: p.Arg726Gln; replaces arginine 726 with glutamine.
Molecular consequence: missense variant.
Genome position (GRCh38, 1-based): chrX:123,464,965, G>A. VCF-style: chrX-123464965-G-A. GRCh37 (hg19) VCF-style: chrX-122598816-G-A.
Other names: c.2177G>A, p.Arg726Gln (NM_000828.5); c.2177G>A (NM_000828.4); short protein forms R726Q.
Identifiers: ClinVar variation 1354437 (VCV001354437.9), dbSNP rs1332595145, ClinGen allele CA414264996.
Genomic context (GRCh38, chrX:123,464,965, plus strand): 5'-TGAAATCAGCGGAGCCATCTGTGTTTACCAAAACAACAGCAGACGGAGTGGCCCGAGTGC[G>A]AAAGTCCAAGGGAAAGTTCGCCTTCCTGCTGGAGTCAACCATGAATGAGTACATTGAGCA-3'
Protein context (NP_015564.5, residues 716-736): KTTADGVARV[Arg726Gln]KSKGKFAFLL